The following is an entry in ClinVar:

NM_019074.4(DLL4):c.1229C>T (p.Pro410Leu)

Gene: DLL4 (delta like canonical Notch ligand 4; plus strand). Cytogenetic location: 15q15.1.
Variant type: single nucleotide variant.
Coding change: c.1229C>T on transcript NM_019074.4 (MANE Select); coding-DNA position 1229, C replaced by T.
Protein change: p.Pro410Leu; replaces proline 410 with leucine.
Molecular consequence: missense variant.
Genome position (GRCh38, 1-based): chr15:40,935,106, C>T. VCF-style: chr15-40935106-C-T. GRCh37 (hg19) VCF-style: chr15-41227304-C-T.
Other names: short protein forms P410L.
Identifiers: ClinVar variation 1313181 (VCV001313181.2), dbSNP rs2140370935, ClinGen allele CA391779238.

ClinVar aggregate classification (germline): Uncertain significance (1 of 4 stars; one submission).

Allele frequency attached by ClinVar (database versions not stated): gnomAD exomes below 0.00001.

Submission:

GeneDx
Classification: Uncertain significance. Last evaluated: 2020-09-09. Review status: criteria provided, single submitter. Criteria: GeneDx Variant Classification Process June 2021. Collection method: clinical testing. Allele origin: germline. Affected: yes.
Comment: Not observed in large population cohorts (Lek et al., 2016); In silico analysis supports that this missense variant has a deleterious effect on protein structure/function; Has not been previously published as pathogenic or benign to our knowledge